The following is an entry in ClinVar:

NM_003072.5(SMARCA4):c.919C>A (p.Pro307Thr)

Gene: SMARCA4 (SWI/SNF related BAF chromatin remodeling complex subunit ATPase 4; plus strand). Cytogenetic location: 19p13.2.
Variant type: single nucleotide variant.
Coding change: c.919C>A on transcript NM_003072.5 (MANE Select); coding-DNA position 919, C replaced by A.
Protein change: p.Pro307Thr; replaces proline 307 with threonine.
Molecular consequence: missense variant. On other transcripts: non-coding transcript variant (1).
Genome position (GRCh38, 1-based): chr19:10,987,725, C>A. VCF-style: chr19-10987725-C-A. GRCh37 (hg19) VCF-style: chr19-11098401-C-A.
Other names: c.919C>A, p.Pro307Thr (NM_001128844.3, NM_001128845.2, NM_001128846.2 and 6 more transcripts); short protein forms P307T.
Identifiers: ClinVar variation 5029847 (VCV005029847.1).

ClinVar aggregate classification (germline): Uncertain significance (1 of 4 stars; one submission).

Conditions:
Hereditary cancer-predisposing syndrome. Also called: Neoplastic Syndromes, Hereditary; Tumor predisposition; Hereditary neoplastic syndrome; Hereditary Cancer Syndrome. Identifiers: Orphanet 140162, MedGen C0027672, MeSH D009386, MONDO:0015356.

gnomAD v4.1: 1 of 1,609,462 alleles (0.000062%); highest among the groups gnomAD compares: Non-Finnish European, 0.000085%; no homozygotes.

Submission:

Ambry Genetics
Classification: Uncertain significance for Hereditary cancer-predisposing syndrome. Last evaluated: 2026-07-07. Review status: criteria provided, single submitter. Criteria: Ambry Variant Classification Scheme 2023. Collection method: clinical testing. Allele origin: germline.
Comment: The p.P307T variant (also known as c.919C>A), located in coding exon 5 of the SMARCA4 gene, results from a C to A substitution at nucleotide position 919. The proline at codon 307 is replaced by threonine, an amino acid with highly similar properties. This amino acid position is conserved. In addition, the in silico prediction for this alteration is inconclusive. Based on the available evidence, the clinical significance of this variant remains unclear.